The following is an entry in ClinVar:

NM_018127.7(ELAC2):c.1186A>G (p.Ile396Val)

Gene: ELAC2 (elaC ribonuclease Z 2; minus strand). Cytogenetic location: 17p12.
Variant type: single nucleotide variant.
Coding change: c.1186A>G on transcript NM_018127.7 (MANE Select); coding-DNA position 1186, A replaced by G.
Protein change: p.Ile396Val; replaces isoleucine 396 with valine.
Molecular consequence: missense variant.
Genome position (GRCh38, 1-based): chr17:13,002,473, T>C on the plus strand (A>G on the coding strand, the complement: ELAC2 is on the minus strand). VCF-style: chr17-13002473-T-C. GRCh37 (hg19) VCF-style: chr17-12905790-T-C.
Other names: c.1066A>G, p.Ile356Val (NM_001165962.2); c.1186A>G, p.Ile396Val (NM_173717.2); short protein forms I396V, I356V.
Identifiers: ClinVar variation 541491 (VCV000541491.7), dbSNP rs149544601, ClinGen allele CA8401330.

ClinVar aggregate classification (germline): Uncertain significance. Review status: criteria provided, multiple submitters, no conflicts (2 of 4 stars). 4 submissions from 4 submitters: Uncertain significance (4). Last evaluated 2025-05-26.

Conditions:
Combined oxidative phosphorylation defect type 17. Also called: Combined oxidative phosphorylation deficiency 17. Identifiers: Orphanet 369913, MedGen C3809526, MONDO:0014190, OMIM 615440.
Prostate cancer, hereditary, 2 (HPC2). Identifiers: Orphanet 1331, MedGen C3539120, MONDO:0013872, OMIM 614731.

Allele frequency attached by ClinVar (database versions not stated): ESP Exome Variant Server 0.00023; TOPMed 0.00032; gnomAD 0.00024 and 0.00025; 1000 Genomes Project 30x 0.00062; 1000 Genomes Project 0.00080.
gnomAD v4.1: 101 of 1,610,078 alleles (0.0063%); highest among the groups gnomAD compares: African/African-American, 0.1%; no homozygotes.

Submissions (4):

Revvity Omics, Revvity
Classification: Uncertain significance for Combined oxidative phosphorylation defect type 17. Last evaluated: 2025-05-26. Review status: criteria provided, single submitter. Criteria: ACMG Guidelines, 2015. Collection method: clinical testing. Allele origin: germline.

GeneDx
Classification: Uncertain significance. Last evaluated: 2023-04-26. Review status: criteria provided, single submitter. Criteria: GeneDx Variant Classification Process June 2021. Collection method: clinical testing. Allele origin: germline. Affected: yes.
Comment: In silico analysis supports that this missense variant does not alter protein structure/function; Has not been previously published as pathogenic or benign to our knowledge

Labcorp Genetics (formerly Invitae), Labcorp
Classification: Uncertain significance for Combined oxidative phosphorylation defect type 17. Last evaluated: 2022-07-28. Review status: criteria provided, single submitter. Criteria: Invitae Variant Classification Sherloc (09022015). Collection method: clinical testing. Allele origin: germline.
Comment: This sequence change replaces isoleucine, which is neutral and non-polar, with valine, which is neutral and non-polar, at codon 396 of the ELAC2 protein (p.Ile396Val). This variant is present in population databases (rs149544601, gnomAD 0.1%). This variant has not been reported in the literature in individuals affected with ELAC2-related conditions. ClinVar contains an entry for this variant (Variation ID: 541491). Algorithms developed to predict the effect of missense changes on protein structure and function are either unavailable or do not agree on the potential impact of this missense change (SIFT: "Tolerated"; PolyPhen-2: "Possibly Damaging"; Align-GVGD: "Class C0"). In summary, the available evidence is currently insufficient to determine the role of this variant in disease. Therefore, it has been classified as a Variant of Uncertain Significance.

Fulgent Genetics
Classification: Uncertain significance for Prostate cancer, hereditary, 2; Combined oxidative phosphorylation defect type 17. Last evaluated: 2021-08-02. Review status: criteria provided, single submitter. Criteria: ACMG Guidelines, 2015. Collection method: clinical testing. Allele origin: unknown.